The following is an entry in ClinVar:

NM_000218.3(KCNQ1):c.1393+32909T>C

Genes: KCNQ1 (potassium voltage-gated channel subfamily Q member 1; plus strand), KCNQ1OT1 (KCNQ1 opposite strand/antisense transcript 1; minus strand). Cytogenetic location: 11p15.5.
Variant type: single nucleotide variant.
Coding change: c.1393+32909T>C on transcript NM_000218.3 (MANE Select); 32909 bases into the intron after coding-DNA position 1393, T replaced by C.
Molecular consequence: intron variant. On other transcripts: non-coding transcript variant (1).
Genome position (GRCh38, 1-based): chr11:2,621,763, T>C. VCF-style: chr11-2621763-T-C. GRCh37 (hg19) VCF-style: chr11-2642993-T-C.
Other names: c.1123+32909T>C (NM_001406837.1); c.1297+32909T>C (NM_001406836.1); c.853+32909T>C (NM_001406838.1); c.1012+32909T>C (NM_181798.2).
Identifiers: ClinVar variation 4681748 (VCV004681748.5).

ClinVar aggregate classification (germline): Likely benign (1 of 4 stars; one submission).

gnomAD v4.1: 238 of 398,390 alleles (0.06%); highest among the groups gnomAD compares: Admixed American, 1%; 2 homozygotes.

Submission:

CeGaT Center for Human Genetics Tuebingen
Classification: Likely benign. Last evaluated: 2026-10-01. Review status: criteria provided, single submitter. Criteria: CeGaT Center For Human Genetics Tuebingen Variant Classification Criteria Version 2. Collection method: clinical testing. Allele origin: germline. Affected: yes. Observed: 15 variant alleles.
Comment: KCNQ1OT1: BS1